The following is an entry in ClinVar:

ClinVar aggregate classification (germline): Likely pathogenic (1 of 4 stars; one submission).

Submission:

Labcorp Genetics (formerly Invitae), Labcorp
Classification: Likely pathogenic. Last evaluated: 2025-10-07. Review status: criteria provided, single submitter. Criteria: Invitae Variant Classification Sherloc (09022015). Collection method: clinical testing. Allele origin: germline.
Comment: This sequence change affects an acceptor splice site in intron 20 of the CACNA1B gene. It is expected to disrupt RNA splicing. Variants that disrupt the donor or acceptor splice site typically lead to a loss of protein function (PMID: 16199547), and loss-of-function variants in CACNA1B are known to be pathogenic (PMID: 30982612). This variant is not present in population databases (gnomAD no frequency). This variant has not been reported in the literature in individuals affected with CACNA1B-related conditions. Algorithms developed to predict the effect of sequence changes on RNA splicing suggest that this variant may disrupt the consensus splice site. In summary, the currently available evidence indicates that the variant is pathogenic, but additional data are needed to prove that conclusively. Therefore, this variant has been classified as Likely Pathogenic.

Literature cited by the submitters: PubMed 16199547; PubMed 30982612.

NM_000718.4(CACNA1B):c.3287-1G>T

Genes: CACNA1B (calcium voltage-gated channel subunit alpha1 B; plus strand), LOC101928786 (uncharacterized LOC101928786; minus strand). Cytogenetic location: 9q34.3.
Variant type: single nucleotide variant.
Coding change: c.3287-1G>T on transcript NM_000718.4 (MANE Select); the canonical splice acceptor site of the intron before coding-DNA position 3287, G replaced by T.
Molecular consequence: splice acceptor variant. On other transcripts: non-coding transcript variant (1).
Genome position (GRCh38, 1-based): chr9:138,043,773, G>T. VCF-style: chr9-138043773-G-T. GRCh37 (hg19) VCF-style: chr9-140938225-G-T.
Other names: c.3287-1G>T (NM_001243812.2).
Identifiers: ClinVar variation 4728621 (VCV004728621.1).